The following is an entry in ClinVar:

ClinVar aggregate classification (germline): Uncertain significance. Review status: criteria provided, multiple submitters, no conflicts (2 of 4 stars). 4 submissions from 4 submitters: Uncertain significance (4). Last evaluated 2025-11-20.

Conditions:
WFS1-related disorder. Identifiers: MedGen CN379391, MONDO:0700293.
Inborn genetic diseases. Identifiers: MedGen C0950123, MeSH D030342.

Allele frequency attached by ClinVar (database versions not stated): gnomAD exomes 0.00001; ExAC 0.00005; TOPMed 0.00008; gnomAD 0.00009.
gnomAD v4.1: 25 of 1,613,046 alleles (0.0015%); highest among the groups gnomAD compares: African/African-American, 0.028%; no homozygotes.

Submissions (4):

PreventionGenetics, part of Exact Sciences
Classification: Uncertain significance for WFS1-related condition. Last evaluated: 2025-11-20. Review status: criteria provided, single submitter. Criteria: ACMG Guidelines, 2015. Collection method: clinical testing. Allele origin: germline.
Comment: The WFS1 c.2035A>C variant is predicted to result in the amino acid substitution p.Lys679Gln. To our knowledge, this variant has not been reported in the literature. This variant is reported in 0.040% of alleles in individuals of African descent in gnomAD. At this time, the clinical significance of this variant is uncertain due to the absence of conclusive functional and genetic evidence.

GeneDx
Classification: Uncertain significance. Last evaluated: 2025-10-30. Review status: criteria provided, single submitter. Criteria: GeneDx Variant Classification Process June 2021. Collection method: clinical testing. Allele origin: germline.
Comment: In silico analysis suggests that this missense variant does not alter protein structure/function; Has not been previously published as pathogenic or benign to our knowledge

Labcorp Genetics (formerly Invitae), Labcorp
Classification: Uncertain significance. Last evaluated: 2024-03-26. Review status: criteria provided, single submitter. Criteria: Invitae Variant Classification Sherloc (09022015). Collection method: clinical testing. Allele origin: germline.
Comment: This sequence change replaces lysine, which is basic and polar, with glutamine, which is neutral and polar, at codon 679 of the WFS1 protein (p.Lys679Gln). This variant is present in population databases (rs780983489, gnomAD 0.04%). This variant has not been reported in the literature in individuals affected with WFS1-related conditions. ClinVar contains an entry for this variant (Variation ID: 1703430). Advanced modeling of protein sequence and biophysical properties (such as structural, functional, and spatial information, amino acid conservation, physicochemical variation, residue mobility, and thermodynamic stability) has been performed at Invitae for this missense variant, however the output from this modeling did not meet the statistical confidence thresholds required to predict the impact of this variant on WFS1 protein function. In summary, the available evidence is currently insufficient to determine the role of this variant in disease. Therefore, it has been classified as a Variant of Uncertain Significance.

Ambry Genetics
Classification: Uncertain significance for Inborn genetic diseases. Last evaluated: 2023-11-09. Review status: criteria provided, single submitter. Criteria: Ambry Variant Classification Scheme 2023. Collection method: clinical testing. Allele origin: germline.

NM_006005.3(WFS1):c.2035A>C (p.Lys679Gln)

Gene: WFS1 (wolframin ER transmembrane glycoprotein; plus strand). Cytogenetic location: 4p16.1.
Variant type: single nucleotide variant.
Coding change: c.2035A>C on transcript NM_006005.3 (MANE Select); coding-DNA position 2035, A replaced by C.
Protein change: p.Lys679Gln; replaces lysine 679 with glutamine.
Molecular consequence: missense variant.
Genome position (GRCh38, 1-based): chr4:6,301,830, A>C. VCF-style: chr4-6301830-A-C. GRCh37 (hg19) VCF-style: chr4-6303557-A-C.
Other names: c.2035A>C, p.Lys679Gln (NM_001145853.1); short protein forms K679Q.
Identifiers: ClinVar variation 1703430 (VCV001703430.10), dbSNP rs780983489, ClinGen allele CA2839580.
Genomic context (GRCh38, chr4:6,301,830, plus strand): 5'-GTCTACAACTCCACACTGACCTGGCAGCAGTATGGTGCGCTGTGCGGGCCACGCGCCTGG[A>C]AGGAGACCAACATGGCGCGCACCCAGATCCTCTGCAGCCACCTGGAGGGCCACAGGGTCA-3'
Protein context (NP_005996.2, residues 669-689): YGALCGPRAW[Lys679Gln]ETNMARTQIL